The following is an entry in ClinVar:

NC_000012.12:g.121641167A>C

Gene: ORAI1 (ORAI calcium release-activated calcium modulator 1; plus strand). Cytogenetic location: 12q24.31.
Variant type: single nucleotide variant.
Molecular consequence: non-coding transcript variant (on NR_186857.1).
Genome position: GRCh38 VCF-style: chr12-121641167-A-C. GRCh37 (hg19) VCF-style: chr12-122079073-A-C.
Identifiers: ClinVar variation 3750530 (VCV003750530.2).

ClinVar aggregate classification (germline): Uncertain significance (1 of 4 stars; one submission).

Conditions:
Myopathy, tubular aggregate, 2 (TAM2). Identifiers: MedGen C4014557, MONDO:0014383, OMIM 615883.
Combined immunodeficiency due to ORAI1 deficiency. Also called: IMMUNODEFICIENCY 9. Identifiers: Orphanet 169090, Orphanet 317428, MedGen C2748568, MONDO:0013007, OMIM 612782.

Submission:

Labcorp Genetics (formerly Invitae), Labcorp
Classification: Uncertain significance for Myopathy, tubular aggregate, 2; Combined immunodeficiency due to ORAI1 deficiency. Last evaluated: 2024-06-12. Review status: criteria provided, single submitter. Criteria: Invitae Variant Classification Sherloc (09022015). Collection method: clinical testing. Allele origin: germline.
Comment: This sequence change replaces isoleucine, which is neutral and non-polar, with leucine, which is neutral and non-polar, at codon 144 of the ORAI1 protein (p.Ile144Leu). This variant is present in population databases (no rsID available, gnomAD 0.01%). This variant has not been reported in the literature in individuals affected with ORAI1-related conditions. Experimental studies and prediction algorithms are not available or were not evaluated, and the functional significance of this variant is currently unknown. In summary, the available evidence is currently insufficient to determine the role of this variant in disease. Therefore, it has been classified as a Variant of Uncertain Significance.